The following is an entry in ClinVar:

NM_000186.4(CFH):c.3549G>A (p.Trp1183Ter)

Gene: CFH (complement factor H; plus strand). Cytogenetic location: 1q31.3.
Variant type: single nucleotide variant.
Coding change: c.3549G>A on transcript NM_000186.4 (MANE Select); coding-DNA position 3549, G replaced by A.
Protein change: p.Trp1183Ter; replaces tryptophan 1183 with a stop codon.
Molecular consequence: nonsense.
Genome position (GRCh38, 1-based): chr1:196,747,166, G>A. VCF-style: chr1-196747166-G-A. GRCh37 (hg19) VCF-style: chr1-196716296-G-A.
Other names: short protein forms W1183*.
Identifiers: ClinVar variation 4291601 (VCV004291601.1).

ClinVar aggregate classification (germline): Pathogenic, low penetrance (1 of 4 stars; one submission).

Conditions:
Atypical hemolytic-uremic syndrome. Identifiers: Orphanet 2134, MedGen C2931788, MONDO:0016244.

Submission:

Genomenon, Inc
Classification: Pathogenic, low penetrance for Atypical hemolytic-uremic syndrome. Last evaluated: 2025-10-02. Review status: criteria provided, single submitter. Criteria: Genomenon Sequence Variant Interpretation Standards - Updated. Collection method: curation. Allele origin: germline. Affected: yes.
Comment: CFH p.Trp1183Ter (c.3549G>A) is a nonsense variant that introduces a premature stop codon at amino acid position 1183, creating a truncated protein that is predicted to undergo nonsense-mediated mRNA decay. This variant has been observed in at least one proband affected with atypical hemolytic-uremic syndrome (PMID:23431077). It is absent or not present at a significant frequency in gnomAD. In conclusion, we classify CFH p.Trp1183Ter (c.3549G>A) as a pathogenic, low penetrance variant.

Literature cited by the submitters: PubMed 23431077.